The following is an entry in ClinVar:

ClinVar aggregate classification (germline): Pathogenic (1 of 4 stars; one submission).

Submission:

Labcorp Genetics (formerly Invitae), Labcorp
Classification: Pathogenic. Last evaluated: 2022-09-17. Review status: criteria provided, single submitter. Criteria: Invitae Variant Classification Sherloc (09022015). Collection method: clinical testing. Allele origin: germline.
Comment: For these reasons, this variant has been classified as Pathogenic. This variant has not been reported in the literature in individuals affected with CHD8-related conditions. This variant is not present in population databases (gnomAD no frequency). This sequence change creates a premature translational stop signal (p.Ile1343*) in the CHD8 gene. It is expected to result in an absent or disrupted protein product. Loss-of-function variants in CHD8 are known to be pathogenic (PMID: 24998929, 26789910).

Literature cited by the submitters: PubMed 24998929; PubMed 26789910.

NM_001170629.2(CHD8):c.4027_4028del (p.Thr1342_Ile1343insTer)

Gene: CHD8 (chromodomain helicase DNA binding protein 8; minus strand). Cytogenetic location: 14q11.2.
Variant type: Deletion.
Coding change: c.4027_4028del on transcript NM_001170629.2 (MANE Select); coding-DNA positions 4027 to 4028, 2 bases deleted (AT; older notation c.4027_4028delAT).
Protein change: p.Thr1342_Ile1343insTer.
Molecular consequence: nonsense.
Genome position (GRCh38, 1-based): chr14:21,401,991-21,401,992, AT deleted on the plus strand (AT on the coding strand, the reverse complement: CHD8 is on the minus strand). VCF-style (leftmost placement, unchanged base first): chr14-21401990-AAT-A. GRCh37 (hg19) VCF-style: chr14-21870149-AAT-A.
Other names: c.3190_3191del, p.Thr1063_Ile1064insTer (NM_020920.4).
Identifiers: ClinVar variation 2031015 (VCV002031015.4), dbSNP rs2501896375, ClinGen allele CA2580087842.